The following is an entry in ClinVar:

NM_002181.4(IHH):c.518C>A (p.Ala173Asp)

Gene: IHH (Indian hedgehog signaling molecule; minus strand). Cytogenetic location: 2q35.
Variant type: single nucleotide variant.
Coding change: c.518C>A on transcript NM_002181.4 (MANE Select); coding-DNA position 518, C replaced by A.
Protein change: p.Ala173Asp; replaces alanine 173 with aspartic acid.
Molecular consequence: missense variant.
Genome position (GRCh38, 1-based): chr2:219,057,492, G>T on the plus strand (C>A on the coding strand, the complement: IHH is on the minus strand). VCF-style: chr2-219057492-G-T. GRCh37 (hg19) VCF-style: chr2-219922214-G-T.
Other names: short protein forms A173D.
Identifiers: ClinVar variation 2572410 (VCV002572410.3), dbSNP rs2469514140, ClinGen allele CA350634300.

ClinVar aggregate classification (germline): Uncertain significance. Review status: criteria provided, single submitter (1 of 4 stars). 2 submissions from 2 submitters: Uncertain significance (1). 1 of the submissions does not count toward it.

Conditions:
Acrocapitofemoral dysplasia (ACFD). Identifiers: Orphanet 63446, MedGen C1843096, MONDO:0011907, OMIM 607778.

Submissions (2):

3billion
Classification: Uncertain significance for Acrocapitofemoral dysplasia. Review status: criteria provided, single submitter. Criteria: ACMG Guidelines, 2015. Collection method: clinical testing. Allele origin: unknown. Affected: yes. Observed: 1 homozygote.
Comment: The variant is not observed in the gnomAD v2.1.1 dataset. Missense changes are a common disease-causing mechanism. In silico tool predictions suggest damaging effect of the variant on gene or gene product (REVEL: 0.96; 3Cnet: 0.99). Therefore, this variant is classified as Uncertain significance according to the recommendation of ACMG/AMP guideline.

Institute of Human Genetics, University of Ulm
Classification: Pathogenic for Acrocapitofemoral dysplasia. Last evaluated: 2023-11-22. Review status: no assertion criteria provided. Collection method: research. Allele origin: germline. Inheritance: Autosomal recessive inheritance. Affected: yes. Observed: 2 variant alleles, 2 homozygotes. Not counted in ClinVar's aggregate classification.